The following is an entry in ClinVar:

NM_000264.5(PTCH1):c.4191C>G (p.Leu1397=)

Gene: PTCH1 (patched 1; minus strand). Cytogenetic location: 9q22.32.
Variant type: single nucleotide variant.
Coding change: c.4191C>G on transcript NM_000264.5 (MANE Select); coding-DNA position 4191, C replaced by G.
Protein change: p.Leu1397=; no amino-acid change (leucine 1397 retained).
Molecular consequence: synonymous variant. On other transcripts: non-coding transcript variant (1).
Genome position (GRCh38, 1-based): chr9:95,447,065, G>C on the plus strand (C>G on the coding strand, the complement: PTCH1 is on the minus strand). VCF-style: chr9-95447065-G-C. GRCh37 (hg19) VCF-style: chr9-98209347-G-C.
Other names: c.3993C>G, p.Leu1331= (NM_001083602.3); c.4188C>G, p.Leu1396= (NM_001083603.3); c.3738C>G, p.Leu1246= (NM_001083604.3, NM_001083605.3, NM_001083606.3 and 1 more transcripts); c.4035C>G, p.Leu1345= (NM_001354918.2).
Identifiers: ClinVar variation 453884 (VCV000453884.35), dbSNP rs754826635, ClinGen allele CA5137927.

ClinVar aggregate classification (germline): Likely benign. Review status: criteria provided, multiple submitters, no conflicts (2 of 4 stars). 3 submissions from 3 submitters: Likely benign (3). Last evaluated 2025-12-28.

Conditions:
Hereditary cancer-predisposing syndrome. Also called: Hereditary neoplastic syndrome; Neoplastic Syndromes, Hereditary; Hereditary Cancer Syndrome; Tumor predisposition. Identifiers: Orphanet 140162, MedGen C0027672, MeSH D009386, MONDO:0015356.
Gorlin syndrome. Also called: Nevoid Basal Cell Carcinoma Syndrome; Basal cell nevus syndrome. Identifiers: Orphanet 377, MedGen C0004779, MONDO:0007187.

Allele frequency attached by ClinVar (database versions not stated): TOPMed 0.00002.
gnomAD v4.1: 4 of 1,614,022 alleles (0.00025%); highest among the groups gnomAD compares: Admixed American, 0.0017%; no homozygotes.

Submissions (3):

Labcorp Genetics (formerly Invitae), Labcorp
Classification: Likely benign for Gorlin syndrome. Last evaluated: 2025-12-28. Review status: criteria provided, single submitter. Criteria: Invitae Variant Classification Sherloc (09022015). Collection method: clinical testing. Allele origin: germline.

CeGaT Center for Human Genetics Tuebingen
Classification: Likely benign. Last evaluated: 2022-11-01. Review status: criteria provided, single submitter. Criteria: CeGaT Center For Human Genetics Tuebingen Variant Classification Criteria Version 2. Collection method: clinical testing. Allele origin: germline. Affected: yes. Observed: 1 variant allele.
Comment: PTCH1: BP4, BP7

Ambry Genetics
Classification: Likely benign for Hereditary cancer-predisposing syndrome. Last evaluated: 2019-12-27. Review status: criteria provided, single submitter. Criteria: Ambry Variant Classification Scheme 2023. Collection method: clinical testing. Allele origin: germline.